The following is an entry in ClinVar:

NM_001458.5(FLNC):c.4399G>A (p.Val1467Met)

Gene: FLNC (filamin C; plus strand). Cytogenetic location: 7q32.1.
Variant type: single nucleotide variant.
Coding change: c.4399G>A on transcript NM_001458.5 (MANE Select); coding-DNA position 4399, G replaced by A.
Protein change: p.Val1467Met; replaces valine 1467 with methionine.
Molecular consequence: missense variant.
Genome position (GRCh38, 1-based): chr7:128,847,807, G>A. VCF-style: chr7-128847807-G-A. GRCh37 (hg19) VCF-style: chr7-128487861-G-A.
Other names: c.4399G>A, p.Val1467Met (NM_001127487.2); short protein forms V1467M.
Identifiers: ClinVar variation 2939400 (VCV002939400.3), dbSNP rs1050022714, ClinGen allele CA166183027.

ClinVar aggregate classification (germline): Uncertain significance (1 of 4 stars; one submission).

Conditions:
Hypertrophic cardiomyopathy 26. Also called: Cardiomyopathy, familial hypertrophic, 26. Identifiers: Orphanet 75249, MedGen C4310749, MONDO:0014883, OMIM 617047.
Myofibrillar myopathy 5. Also called: Filaminopathy (type); FILAMINOPATHY, AUTOSOMAL DOMINANT. Identifiers: Orphanet 171445, MedGen C1836050, MONDO:0012289, OMIM 609524.
Distal myopathy with posterior leg and anterior hand involvement. Also called: WILLIAMS DISTAL MYOPATHY. Identifiers: Orphanet 63273, MedGen C3279722, MONDO:0013550, OMIM 614065.

Allele frequency attached by ClinVar (database versions not stated): TOPMed 0.00001.

Submission:

Labcorp Genetics (formerly Invitae), Labcorp
Classification: Uncertain significance for Distal myopathy with posterior leg and anterior hand involvement; Myofibrillar myopathy 5; Hypertrophic cardiomyopathy 26. Last evaluated: 2025-07-23. Review status: criteria provided, single submitter. Criteria: Invitae Variant Classification Sherloc (09022015). Collection method: clinical testing. Allele origin: germline.
Comment: This sequence change replaces valine, which is neutral and non-polar, with methionine, which is neutral and non-polar, at codon 1467 of the FLNC protein (p.Val1467Met). This variant is not present in population databases (gnomAD no frequency). This variant has not been reported in the literature in individuals affected with FLNC-related conditions. ClinVar contains an entry for this variant (Variation ID: 2939400). Invitae Evidence Modeling of protein sequence and biophysical properties (such as structural, functional, and spatial information, amino acid conservation, physicochemical variation, residue mobility, and thermodynamic stability) has been performed for this missense variant. However, the output from this modeling did not meet the statistical confidence thresholds required to predict the impact of this variant on FLNC protein function. In summary, the available evidence is currently insufficient to determine the role of this variant in disease. Therefore, it has been classified as a Variant of Uncertain Significance.